The following is an entry in ClinVar:

ClinVar aggregate classification (germline): Uncertain significance (1 of 4 stars; one submission).

Submission:

GeneDx
Classification: Uncertain significance. Last evaluated: 2024-12-09. Review status: criteria provided, single submitter. Criteria: GeneDx Variant Classification Process June 2021. Collection method: clinical testing. Allele origin: germline. Affected: yes.
Comment: Not observed at significant frequency in large population cohorts (gnomAD); In silico analysis supports that this missense variant has a deleterious effect on protein structure/function; Has not been previously published as pathogenic or benign to our knowledge

NM_001330700.2(TOP2B):c.1706A>G (p.His569Arg)

Gene: TOP2B (DNA topoisomerase II beta; minus strand). Cytogenetic location: 3p24.2.
Variant type: single nucleotide variant.
Coding change: c.1706A>G on transcript NM_001330700.2 (MANE Select); coding-DNA position 1706, A replaced by G.
Protein change: p.His569Arg; replaces histidine 569 with arginine.
Molecular consequence: missense variant.
Genome position (GRCh38, 1-based): chr3:25,629,129, T>C on the plus strand (A>G on the coding strand, the complement: TOP2B is on the minus strand). VCF-style: chr3-25629129-T-C. GRCh37 (hg19) VCF-style: chr3-25670620-T-C.
Other names: c.1691A>G, p.His564Arg (NM_001068.3); short protein forms H564R, H569R.
Identifiers: ClinVar variation 3901759 (VCV003901759.1).